The following is an entry in ClinVar:

NM_001267550.2(TTN):c.86896C>T (p.Pro28966Ser)

Genes: TTN (titin; minus strand), TTN-AS1 (TTN antisense RNA 1; plus strand). Cytogenetic location: 2q31.2.
Variant type: single nucleotide variant.
Coding change: c.86896C>T on transcript NM_001267550.2 (MANE Select); coding-DNA position 86896, C replaced by T.
Protein change: p.Pro28966Ser; replaces proline 28966 with serine.
Molecular consequence: missense variant.
Genome position (GRCh38, 1-based): chr2:178,558,563, G>A on the plus strand (C>T on the coding strand, the complement: TTN is on the minus strand). VCF-style: chr2-178558563-G-A. GRCh37 (hg19) VCF-style: chr2-179423290-G-A.
Other names: c.81973C>T, p.Pro27325Ser (NM_001256850.1); c.59701C>T, p.Pro19901Ser (NM_003319.4); c.79192C>T, p.Pro26398Ser (NM_133378.4); c.60076C>T, p.Pro20026Ser (NM_133432.3); c.60277C>T, p.Pro20093Ser (NM_133437.4); short protein forms P19901S, P20026S, P20093S, P26398S, P27325S, P28966S.
Identifiers: ClinVar variation 4682279 (VCV004682279.1).

ClinVar aggregate classification (germline): Uncertain significance (1 of 4 stars; one submission).

gnomAD v4.1: 4 of 1,613,718 alleles (0.00025%); highest among the groups gnomAD compares: Admixed American, 0.0067%; no homozygotes.

Submission:

Athena Diagnostics
Classification: Uncertain significance. Last evaluated: 2025-07-08. Review status: criteria provided, single submitter. Criteria: Athena Diagnostics Criteria. Collection method: clinical testing. Allele origin: unknown.
Comment: Available data are insufficient to determine the clinical significance of the variant at this time. The frequency of this variant in the general population is uninformative in assessment of its pathogenicity. Polyphen and MutationTaster yielded discordant predictions regarding whether this amino acid change is damaging to the protein.